The following is an entry in ClinVar:

NM_004360.5(CDH1):c.1070del (p.Thr357fs)

Gene: CDH1 (cadherin 1; plus strand). Cytogenetic location: 16q22.1.
Variant type: Deletion.
Coding change: c.1070del on transcript NM_004360.5 (MANE Select); coding-DNA position 1070, one base deleted (C; older notation c.1070delC).
Protein change: p.Thr357fs; shifts the reading frame from threonine 357.
Molecular consequence: frameshift variant. On other transcripts: 5 prime UTR variant (2).
Genome position (GRCh38, 1-based): chr16:68,812,196, C deleted. VCF-style (leftmost placement, unchanged base first): chr16-68812195-AC-A. GRCh37 (hg19) VCF-style: chr16-68846098-AC-A.
Other names: c.1070del, p.Thr357fs (NM_001317184.2); c.-546del (NM_001317185.2); c.-750del (NM_001317186.2); c.1070delC, p.Thr357Lysfs (NM_004360.3); c.1070del (NM_004360.3); short protein forms T357fs.
Identifiers: ClinVar variation 2059419 (VCV002059419.5), dbSNP rs2543924274, ClinGen allele CA2573331877.
Genomic context (GRCh38, chr16:68,812,195, plus strand): 5'-AGTTTCCCTACGTATACCCTGGTGGTTCAAGCTGCTGACCTTCAAGGTGAGGGGTTAAGC[AC>A]AACAGCAACAGCTGTGATCACAGTCACTGACACCAACGATAATCCTCCGATCTTCAATCC-3'

ClinVar aggregate classification (germline): Pathogenic (1 of 4 stars; one submission).

Conditions:
Hereditary diffuse gastric adenocarcinoma (HDGC). Also called: DIFFUSE GASTRIC AND LOBULAR BREAST CANCER SYNDROME. Identifiers: Orphanet 26106, MedGen C1708349, MONDO:0007648, OMIM 137215.

Submission:

Labcorp Genetics (formerly Invitae), Labcorp
Classification: Pathogenic for Hereditary diffuse gastric adenocarcinoma. Last evaluated: 2022-04-15. Review status: criteria provided, single submitter. Criteria: Invitae Variant Classification Sherloc (09022015). Collection method: clinical testing. Allele origin: germline.
Comment: For these reasons, this variant has been classified as Pathogenic. This variant has not been reported in the literature in individuals affected with CDH1-related conditions. This variant is not present in population databases (gnomAD no frequency). This sequence change creates a premature translational stop signal (p.Thr357Lysfs*6) in the CDH1 gene. It is expected to result in an absent or disrupted protein product. Loss-of-function variants in CDH1 are known to be pathogenic (PMID: 15235021, 20373070).

Literature cited by the submitters: PubMed 15235021 (cited by Labcorp Genetics (formerly Invitae), Labcorp); PubMed 20373070 (cited by Labcorp Genetics (formerly Invitae), Labcorp).